The following is an entry in ClinVar:

NM_015570.4(AUTS2):c.1969G>A (p.Ala657Thr)

Gene: AUTS2 (activator of transcription and developmental regulator AUTS2; plus strand). Cytogenetic location: 7q11.22.
Variant type: single nucleotide variant.
Coding change: c.1969G>A on transcript NM_015570.4 (MANE Select); coding-DNA position 1969, G replaced by A.
Protein change: p.Ala657Thr; replaces alanine 657 with threonine.
Molecular consequence: missense variant.
Genome position (GRCh38, 1-based): chr7:70,777,139, G>A. VCF-style: chr7-70777139-G-A. GRCh37 (hg19) VCF-style: chr7-70242125-G-A.
Other names: c.1897G>A, p.Ala633Thr (NM_001127231.3); short protein forms A657T, A633T.
Identifiers: ClinVar variation 2867686 (VCV002867686.3), dbSNP rs750187638, ClinGen allele CA4280864.

ClinVar aggregate classification (germline): Uncertain significance (1 of 4 stars; one submission).

Allele frequency attached by ClinVar (database versions not stated): gnomAD exomes below 0.00001; ExAC 0.00002.

Submission:

Labcorp Genetics (formerly Invitae), Labcorp
Classification: Uncertain significance. Last evaluated: 2023-03-09. Review status: criteria provided, single submitter. Criteria: Invitae Variant Classification Sherloc (09022015). Collection method: clinical testing. Allele origin: germline.
Comment: This sequence change replaces alanine, which is neutral and non-polar, with threonine, which is neutral and polar, at codon 657 of the AUTS2 protein (p.Ala657Thr). This variant is present in population databases (rs750187638, gnomAD 0.002%). This variant has not been reported in the literature in individuals affected with AUTS2-related conditions. Advanced modeling of protein sequence and biophysical properties (such as structural, functional, and spatial information, amino acid conservation, physicochemical variation, residue mobility, and thermodynamic stability) performed at Invitae indicates that this missense variant is expected to disrupt AUTS2 protein function. In summary, the available evidence is currently insufficient to determine the role of this variant in disease. Therefore, it has been classified as a Variant of Uncertain Significance.